The following is an entry in ClinVar:

ClinVar aggregate classification (germline): Conflicting classifications of pathogenicity. Review status: criteria provided, conflicting classifications (1 of 4 stars). 2 submissions from 2 submitters: Uncertain significance (1); Likely benign (1). Last evaluated 2024-02-26.

Conditions:
Breast-ovarian cancer, familial, susceptibility to, 4. Identifiers: Orphanet 145, MedGen C3280345, MONDO:0013669, OMIM 614291.
Hereditary cancer-predisposing syndrome. Also called: Hereditary neoplastic syndrome; Neoplastic Syndromes, Hereditary; Hereditary Cancer Syndrome; Tumor predisposition. Identifiers: Orphanet 140162, MedGen C0027672, MeSH D009386, MONDO:0015356.

Submissions (2):

Ambry Genetics
Classification: Likely benign for Hereditary cancer-predisposing syndrome. Last evaluated: 2024-02-26. Review status: criteria provided, single submitter. Criteria: Ambry Variant Classification Scheme 2023. Collection method: clinical testing. Allele origin: germline.

Labcorp Genetics (formerly Invitae), Labcorp
Classification: Uncertain significance for Breast-ovarian cancer, familial, susceptibility to, 4. Last evaluated: 2022-10-07. Review status: criteria provided, single submitter. Criteria: Invitae Variant Classification Sherloc (09022015). Collection method: clinical testing. Allele origin: germline.
Comment: This sequence change replaces valine, which is neutral and non-polar, with isoleucine, which is neutral and non-polar, at codon 309 of the RAD51D protein (p.Val309Ile). This variant is not present in population databases (gnomAD no frequency). This variant has not been reported in the literature in individuals affected with RAD51D-related conditions. Advanced modeling of protein sequence and biophysical properties (such as structural, functional, and spatial information, amino acid conservation, physicochemical variation, residue mobility, and thermodynamic stability) performed at Invitae indicates that this missense variant is not expected to disrupt RAD51D protein function. In summary, the available evidence is currently insufficient to determine the role of this variant in disease. Therefore, it has been classified as a Variant of Uncertain Significance.

NM_002878.4(RAD51D):c.925G>A (p.Val309Ile)

Genes: RAD51D (RAD51 paralog D; minus strand), RAD51L3-RFFL (RAD51L3-RFFL readthrough; minus strand). Cytogenetic location: 17q12.
Variant type: single nucleotide variant.
Coding change: c.925G>A on transcript NM_002878.4 (MANE Select); coding-DNA position 925, G replaced by A.
Protein change: p.Val309Ile; replaces valine 309 with isoleucine.
Molecular consequence: missense variant. On other transcripts: non-coding transcript variant (2).
Genome position (GRCh38, 1-based): chr17:35,101,015, C>T on the plus strand (G>A on the coding strand, the complement: RAD51D is on the minus strand). VCF-style: chr17-35101015-C-T. GRCh37 (hg19) VCF-style: chr17-33428034-C-T.
Other names: c.985G>A, p.Val329Ile (NM_001142571.2); c.589G>A, p.Val197Ile (NM_133629.3); short protein forms V197I, V309I, V329I.
Identifiers: ClinVar variation 1721205 (VCV001721205.7), dbSNP rs1555566979, ClinGen allele CA399086145.